The following is an entry in ClinVar:

NM_001134363.3(RBM20):c.785C>G (p.Thr262Ser)

Gene: RBM20 (RNA binding motif protein 20; plus strand). Cytogenetic location: 10q25.2.
Variant type: single nucleotide variant.
Coding change: c.785C>G on transcript NM_001134363.3 (MANE Select); coding-DNA position 785, C replaced by G.
Protein change: p.Thr262Ser; replaces threonine 262 with serine.
Molecular consequence: missense variant.
Genome position (GRCh38, 1-based): chr10:110,781,394, C>G. VCF-style: chr10-110781394-C-G. GRCh37 (hg19) VCF-style: chr10-112541152-C-G.
Other names: c.785C>G (LRG_382t1); short protein forms T262S.
Identifiers: ClinVar variation 382322 (VCV000382322.18), dbSNP rs758718732, ClinGen allele CA5688533.
Genomic context (GRCh38, chr10:110,781,394, plus strand): 5'-CTGAAACAGATGGTCAGCCTGGCTTCCTGCCATCCTCGGCCTCAACCTCGGGCAGTGTGA[C>G]CTATGAAGGGCACTACAGCCACACAGGGCAGGATGGTCAAGCTGCCTTTTCCAAAGATTT-3'
Protein context (NP_001127835.2, residues 252-272): PSSASTSGSV[Thr262Ser]YEGHYSHTGQ

ClinVar aggregate classification (germline): Conflicting classifications of pathogenicity. Review status: criteria provided, conflicting classifications (1 of 4 stars). 5 submissions from 5 submitters: Uncertain significance (1); Benign (1); Likely benign (3). Last evaluated 2026-01-20.

Conditions:
Dilated cardiomyopathy 1DD (CMD1DD). Identifiers: Orphanet 154, MedGen C2750995, MONDO:0013168, OMIM 613172.
Cardiovascular phenotype. Identifiers: MedGen CN230736.

Allele frequency attached by ClinVar (database versions not stated): gnomAD below 0.00001 and 0.00005; TOPMed 0.00003; 1000 Genomes Project 30x 0.00016; ExAC 0.00097.
gnomAD v4.1: 191 of 1,551,690 alleles (0.012%); highest among the groups gnomAD compares: South Asian, 0.21%; 3 homozygotes.

Submissions (5):

Labcorp Genetics (formerly Invitae), Labcorp
Classification: Likely benign for Dilated cardiomyopathy 1DD. Last evaluated: 2026-01-20. Review status: criteria provided, single submitter. Criteria: Invitae Variant Classification Sherloc (09022015). Collection method: clinical testing. Allele origin: germline.

Blueprint Genetics
Classification: Likely benign. Last evaluated: 2024-10-25. Review status: criteria provided, single submitter. Criteria: ACMG Guidelines, 2015. Collection method: clinical testing. Allele origin: germline.

Ambry Genetics
Classification: Benign for Cardiovascular phenotype. Last evaluated: 2021-06-24. Review status: criteria provided, single submitter. Criteria: Ambry Variant Classification Scheme 2023. Collection method: clinical testing. Allele origin: germline.

Illumina Laboratory Services, Illumina
Classification: Uncertain significance for Dilated cardiomyopathy 1DD. Last evaluated: 2018-01-13. Review status: criteria provided, single submitter. Criteria: ICSL Variant Classification Criteria 13 December 2019. Collection method: clinical testing. Allele origin: germline.

GeneDx
Classification: Likely benign. Last evaluated: 2015-12-16. Review status: criteria provided, single submitter. Criteria: GeneDx Variant Classification (06012015). Collection method: clinical testing. Allele origin: germline. Affected: yes.
Comment: This variant is considered likely benign or benign based on one or more of the following criteria: it is a conservative change, it occurs at a poorly conserved position in the protein, it is predicted to be benign by multiple in silico algorithms, and/or has population frequency not consistent with disease.

Literature cited by the submitters: PubMed 30847666 (cited by Ambry Genetics).